The following is an entry in ClinVar:

ClinVar aggregate classification (germline): Uncertain significance (1 of 4 stars; one submission).

Conditions:
Benign neonatal seizures. Also called: Convulsions benign familial neonatal dominant form; Autosomal dominant form of benign neonatal seizures; Benign familial neonatal epilepsy; Benign familial neonatal seizures; Benign neonatal familial convulsions. Identifiers: Orphanet 1949, MedGen C0220669, MONDO:0016027.

Allele frequency attached by ClinVar (database versions not stated): gnomAD 0.00001; TOPMed below 0.00001.
gnomAD v4.1: 1 of 1,613,388 alleles (0.000062%); highest among the groups gnomAD compares: East Asian, 0.0022%; no homozygotes.

Submission:

Labcorp Genetics (formerly Invitae), Labcorp
Classification: Uncertain significance for Benign neonatal seizures. Last evaluated: 2025-10-22. Review status: criteria provided, single submitter. Criteria: Invitae Variant Classification Sherloc (09022015). Collection method: clinical testing. Allele origin: germline.
Comment: This sequence change replaces methionine, which is neutral and non-polar, with threonine, which is neutral and polar, at codon 496 of the KCNQ3 protein (p.Met496Thr). This variant is not present in population databases (gnomAD no frequency). This variant has not been reported in the literature in individuals affected with KCNQ3-related conditions. ClinVar contains an entry for this variant (Variation ID: 1999593). Invitae Evidence Modeling of protein sequence and biophysical properties (such as structural, functional, and spatial information, amino acid conservation, physicochemical variation, residue mobility, and thermodynamic stability) indicates that this missense variant is not expected to disrupt KCNQ3 protein function with a negative predictive value of 80%. In summary, the available evidence is currently insufficient to determine the role of this variant in disease. Therefore, it has been classified as a Variant of Uncertain Significance.

NM_004519.4(KCNQ3):c.1487T>C (p.Met496Thr)

Gene: KCNQ3 (potassium voltage-gated channel subfamily Q member 3; minus strand). Cytogenetic location: 8q24.22.
Variant type: single nucleotide variant.
Coding change: c.1487T>C on transcript NM_004519.4 (MANE Select); coding-DNA position 1487, T replaced by C.
Protein change: p.Met496Thr; replaces methionine 496 with threonine.
Molecular consequence: missense variant.
Genome position (GRCh38, 1-based): chr8:132,140,157, A>G on the plus strand (T>C on the coding strand, the complement: KCNQ3 is on the minus strand). VCF-style: chr8-132140157-A-G. GRCh37 (hg19) VCF-style: chr8-133152404-A-G.
Other names: c.1127T>C, p.Met376Thr (NM_001204824.2); short protein forms M376T, M496T.
Identifiers: ClinVar variation 1999593 (VCV001999593.4), dbSNP rs1450561487, ClinGen allele CA372219732.